The following is an entry in ClinVar:

ClinVar aggregate classification (germline): Uncertain significance. Review status: criteria provided, multiple submitters, no conflicts (2 of 4 stars). 2 submissions from 2 submitters: Uncertain significance (2). Last evaluated 2023-08-10.

Conditions:
Hypertrophic cardiomyopathy 14. Identifiers: MedGen C2750467, MONDO:0013197, OMIM 613251.

Allele frequency attached by ClinVar (database versions not stated): gnomAD exomes below 0.00001; ExAC 0.00001; gnomAD 0.00001; TOPMed 0.00001; 1000 Genomes Project 30x 0.00016; 1000 Genomes Project 0.00020.
gnomAD v4.1: 2 of 1,613,972 alleles (0.00012%); highest among the groups gnomAD compares: African/African-American, 0.0027%; no homozygotes.

Submissions (2):

Labcorp Genetics (formerly Invitae), Labcorp
Classification: Uncertain significance for Hypertrophic cardiomyopathy 14. Last evaluated: 2023-08-10. Review status: criteria provided, single submitter. Criteria: Invitae Variant Classification Sherloc (09022015). Collection method: clinical testing. Allele origin: germline.
Comment: In summary, the available evidence is currently insufficient to determine the role of this variant in disease. Therefore, it has been classified as a Variant of Uncertain Significance. Algorithms developed to predict the effect of sequence changes on RNA splicing suggest that this variant may create or strengthen a splice site. ClinVar contains an entry for this variant (Variation ID: 1803686). This variant has not been reported in the literature in individuals affected with MYH6-related conditions. This variant is present in population databases (rs574971402, gnomAD 0.007%). This sequence change falls in intron 31 of the MYH6 gene. It does not directly change the encoded amino acid sequence of the MYH6 protein.

GeneDx
Classification: Uncertain significance. Last evaluated: 2022-06-07. Review status: criteria provided, single submitter. Criteria: GeneDx Variant Classification Process June 2021. Collection method: clinical testing. Allele origin: germline. Affected: yes.
Comment: Not observed at significant frequency in large population cohorts (gnomAD); Has not been previously published as pathogenic or benign to our knowledge; In silico analysis, which includes splice predictors and evolutionary conservation, suggests this variant may impact gene splicing. In the absence of RNA/functional studies, the actual effect of this sequence change is unknown.

NM_002471.4(MYH6):c.4526-7T>G

Gene: MYH6 (myosin heavy chain 6; minus strand). Cytogenetic location: 14q11.2.
Variant type: single nucleotide variant.
Coding change: c.4526-7T>G on transcript NM_002471.4 (MANE Select); 7 bases into the intron before coding-DNA position 4526, T replaced by G.
Molecular consequence: intron variant.
Genome position (GRCh38, 1-based): chr14:23,387,660, A>C on the plus strand (T>G on the coding strand, the complement: MYH6 is on the minus strand). VCF-style: chr14-23387660-A-C. GRCh37 (hg19) VCF-style: chr14-23856869-A-C.
Identifiers: ClinVar variation 1803686 (VCV001803686.4), dbSNP rs574971402, ClinGen allele CA7114721.